The following is an entry in ClinVar:

NM_000500.9(CYP21A2):c.371C>T (p.Thr124Ile)

Genes: CYP21A2 (cytochrome P450 family 21 subfamily A member 2; plus strand), LOC106780800 (CYP21A2 recombination region; plus strand). Cytogenetic location: 6p21.33.
Variant type: single nucleotide variant.
Coding change: c.371C>T on transcript NM_000500.9 (MANE Select); coding-DNA position 371, C replaced by T.
Protein change: p.Thr124Ile; replaces threonine 124 with isoleucine.
Molecular consequence: missense variant. On other transcripts: 5 prime UTR variant (2).
Genome position (GRCh38, 1-based): chr6:32,039,172, C>T. VCF-style: chr6-32039172-C-T. GRCh37 (hg19) VCF-style: chr6-32006949-C-T.
Other names: c.281C>T, p.Thr94Ile (NM_001128590.4); c.-35C>T (NM_001368143.2, NM_001368144.2); short protein forms T124I, T94I.
Identifiers: ClinVar variation 585754 (VCV000585754.7), dbSNP rs566065375, ClinGen allele CA3732373.

ClinVar aggregate classification (germline): Uncertain significance. Review status: criteria provided, multiple submitters, no conflicts (2 of 4 stars). 5 submissions from 5 submitters: Uncertain significance (5). Last evaluated 2024-11-26.

Conditions:
21-Hydroxylase-Deficient Congenital Adrenal Hyperplasia. Also called: ADRENAL HYPERPLASIA, CONGENITAL, DUE TO 21-HYDROXYLASE DEFICIENCY; ADRENAL HYPERPLASIA III. Identifiers: MedGen C2936858, OMIM 201910.

Allele frequency attached by ClinVar (database versions not stated): gnomAD exomes 0.00010 and 0.00062; gnomAD 0.00011 and 0.00022; TOPMed 0.00023; ExAC 0.00089; 1000 Genomes Project 30x 0.00219; 1000 Genomes Project 0.00240.

Submissions (5):

Blueprint Genetics
Classification: Uncertain significance. Last evaluated: 2024-11-26. Review status: criteria provided, single submitter. Criteria: ACMG Guidelines, 2015. Collection method: clinical testing. Allele origin: germline.

Newborn Screening Ontario, Children's Hospital of Eastern Ontario (CHEO)
Classification: Uncertain significance for 21-Hydroxylase-Deficient Congenital Adrenal Hyperplasia. Last evaluated: 2023-03-17. Review status: criteria provided, single submitter. Criteria: ACMG Guidelines, 2015. Collection method: clinical testing. Allele origin: germline. Inheritance: Autosomal recessive inheritance.

Women's Health and Genetics/Laboratory Corporation of America, LabCorp
Classification: Uncertain significance. Last evaluated: 2023-02-16. Review status: criteria provided, single submitter. Criteria: LabCorp Variant Classification Summary - May 2015. Collection method: clinical testing. Allele origin: germline.
Comment: Variant summary: CYP21A2 c.371C>T (p.Thr124Ile) results in a non-conservative amino acid change in the encoded protein sequence. Three of five in-silico tools predict a damaging effect of the variant on protein function. The variant allele was found at a frequency of 0.00062 in 237412 control chromosomes, predominantly at a frequency of 0.0077 within the East Asian subpopulation in the gnomAD database, including 3 homozygotes. The observed variant frequency within East Asian control individuals in the gnomAD database is higher than the estimated maximal expected allele frequency for a pathogenic variant in CYP21A2 causing severe Congenital Adrenal Hyperplasia phenotype (0.002), however the prevalence of nonclassic adrenal hyperplasia might be much higher in certain ethnic groups (see e.g. PMIDs 26082286, 29035424), therefore this frequency might not exclude that the variant is associated with disease. The variant, c.371C>T, has been reported in the literature in individuals affected with Congenital Adrenal Hyperplasia (e.g. Wang_2016, Hou_2019, Chi_2019, Hou_2020, Wan_2023), however, in at least two of these cases the variant occurred in cis with another (likely) pathogenic variant (Wang_2016, Hou_2019), or was reported without specifying a second variant (Hou_2020). To our knowledge, no experimental evidence demonstrating an impact on protein function has been reported. One clinical diagnostic laboratory has submitted clinical-significance assessments for this variant to ClinVar after 2014 without evidence for independent evaluation, and classified the variant as uncertain significance. Based on the evidence outlined above, the variant was classified as VUS-possibly pathogenic.

Athena Diagnostics
Classification: Uncertain significance. Last evaluated: 2017-12-30. Review status: criteria provided, single submitter. Criteria: Athena Diagnostics Criteria. Collection method: clinical testing. Allele origin: germline.

Juno Genomics, Hangzhou Juno Genomics, Inc
Classification: Uncertain significance for 21-Hydroxylase-Deficient Congenital Adrenal Hyperplasia. Review status: criteria provided, single submitter. Criteria: ACMG Guidelines, 2015. Collection method: clinical testing. Allele origin: germline. Affected: yes.
Comment: For recessive disorders, detected in trans with a pathogenic variant.;Multiple lines of computational evidence suggest no impact on gene or gene product (conservation, evolutionary, splicing impact, etc).

Literature cited by the submitters: PubMed 32616876 (cited by Women's Health and Genetics/Laboratory Corporation of America, LabCorp); PubMed 30968594 (cited by Women's Health and Genetics/Laboratory Corporation of America, LabCorp); PubMed 31980526 (cited by Women's Health and Genetics/Laboratory Corporation of America, LabCorp); PubMed 30816000 (cited by Women's Health and Genetics/Laboratory Corporation of America, LabCorp); PubMed 31446012 (cited by Women's Health and Genetics/Laboratory Corporation of America, LabCorp); PubMed 29035424 (cited by Women's Health and Genetics/Laboratory Corporation of America, LabCorp and Athena Diagnostics); PubMed 36167262 (cited by Women's Health and Genetics/Laboratory Corporation of America, LabCorp); PubMed 26804566 (cited by Women's Health and Genetics/Laboratory Corporation of America, LabCorp and Athena Diagnostics); PubMed 27596083 (cited by Athena Diagnostics).